The following is an entry in ClinVar:

ClinVar aggregate classification (germline): Benign (3 of 4 stars; one submission).

Conditions:
Breast-ovarian cancer, familial, susceptibility to, 2 (BROVCA2). Also called: BRCA2 Hereditary Breast and Ovarian Cancer. Identifiers: Orphanet 145, MedGen C2675520, MONDO:0012933, OMIM 612555. Disease mechanism: loss of function.

Allele frequency attached by ClinVar (database versions not stated): gnomAD 0.00974 and 0.01050; 1000 Genomes Project 0.00998; 1000 Genomes Project 30x 0.01031; TOPMed 0.01077.
gnomAD v4.1: 1,471 of 152,336 alleles (0.97%); highest among the groups gnomAD compares: African/African-American, 3.4%; 28 homozygotes.

Submission:

Evidence-based Network for the Interpretation of Germline Mutant Alleles (ENIGMA)
Classification: Benign for Breast-ovarian cancer, familial 2. Last evaluated: 2015-01-12. Review status: reviewed by expert panel. Criteria: ENIGMA BRCA1/2 Classification Criteria (2015). Collection method: curation. Allele origin: germline.
Comment: Class 1 not pathogenic based on frequency >1% in an outbred sampleset. Frequency 0.04268 (African), derived from 1000 genomes (2012-04-30).

NM_000059.4(BRCA2):c.8331+999T>A

Gene: BRCA2 (BRCA2 DNA repair associated; plus strand). Cytogenetic location: 13q13.1.
Variant type: single nucleotide variant.
Coding change: c.8331+999T>A on transcript NM_000059.4 (MANE Select); 999 bases into the intron after coding-DNA position 8331, T replaced by A.
Molecular consequence: intron variant.
Genome position (GRCh38, 1-based): chr13:32,364,532, T>A. VCF-style: chr13-32364532-T-A. GRCh37 (hg19) VCF-style: chr13-32938669-T-A.
Other names: IVS 18+999T>A.
Identifiers: ClinVar variation 209782 (VCV000209782.1), dbSNP rs11571723, ClinGen allele CA276750.